The following is an entry in ClinVar:

ClinVar aggregate classification (germline): Benign. Review status: criteria provided, multiple submitters, no conflicts (2 of 4 stars). 13 submissions from 13 submitters: Benign (10). 3 of the submissions do not count toward it. Last evaluated 2026-02-02.

Conditions:
Ataxia-telangiectasia-like disorder (ATLD). Identifiers: MedGen C1858391, MONDO:0011457.
Hereditary breast ovarian cancer syndrome. Also called: BRCA1- and BRCA2-Associated Hereditary Breast and Ovarian Cancer; Hereditary breast and ovarian cancer syndrome (HBOC); Hereditary breast and/or ovarian cancer syndrome; Hereditary breast and ovarian cancer syndrome; Hereditary breast and ovarian cancer; Breast and ovarian cancer. Identifiers: Orphanet 145, MedGen C0677776, MeSH D061325, MONDO:0003582. Disease mechanism: loss of function.
Ataxia-telangiectasia-like disorder 1 (ATLD1). Identifiers: Orphanet 251347, MedGen C4012790, MONDO:0024557, OMIM 604391.

Allele frequency attached by ClinVar (database versions not stated): gnomAD exomes 0.00111 and 0.00266; ExAC 0.00317; 1000 Genomes Project 30x 0.00843; 1000 Genomes Project 0.00859; gnomAD 0.01051 and 0.01130; ESP Exome Variant Server 0.01169; TOPMed 0.01269.
gnomAD v4.1: 3,263 of 1,609,748 alleles (0.2%); highest among the groups gnomAD compares: African/African-American, 3.9%; 52 homozygotes.

Submissions (13):

Labcorp Genetics (formerly Invitae), Labcorp
Classification: Benign for Ataxia-telangiectasia-like disorder. Last evaluated: 2026-02-02. Review status: criteria provided, single submitter. Criteria: Invitae Variant Classification Sherloc (09022015). Collection method: clinical testing. Allele origin: germline.

Mayo Clinic Laboratories, Mayo Clinic
Classification: Benign. Last evaluated: 2025-02-25. Review status: criteria provided, single submitter. Criteria: ACMG Guidelines, 2015. Collection method: clinical testing. Allele origin: germline. Observed: 3 variant alleles.
Comment: BS1, BS2

Athena Diagnostics
Classification: Benign. Last evaluated: 2024-07-05. Review status: criteria provided, single submitter. Criteria: Athena Diagnostics Criteria. Collection method: clinical testing. Allele origin: unknown.

KCCC/NGS Laboratory, Kuwait Cancer Control Center
Classification: Benign for Ataxia-telangiectasia-like disorder 1. Last evaluated: 2023-07-07. Review status: criteria provided, single submitter. Criteria: ACMG Guidelines, 2015. Collection method: clinical testing. Allele origin: germline. Affected: yes.

National Health Laboratory Service, Universitas Academic Hospital and University of the Free State
Classification: Benign for Hereditary breast ovarian cancer syndrome. Last evaluated: 2022-04-19. Review status: criteria provided, single submitter. Criteria: ACMG Guidelines, 2015. Collection method: clinical testing. Allele origin: germline. Affected: yes. Observed: 22 variant alleles.

Quest Diagnostics Nichols Institute San Juan Capistrano
Classification: Benign. Last evaluated: 2021-08-03. Review status: criteria provided, single submitter. Criteria: Quest Diagnostics criteria. Collection method: clinical testing. Allele origin: unknown.

ARUP Laboratories, Molecular Genetics and Genomics, ARUP Laboratories
Classification: Benign for Ataxia-telangiectasia-like disorder 1. Last evaluated: 2021-05-08. Review status: criteria provided, single submitter. Criteria: ARUP Molecular Germline Variant Investigation Process 2021. Collection method: clinical testing. Allele origin: germline.

Illumina Laboratory Services, Illumina
Classification: Benign for Ataxia-telangiectasia-like disorder 1. Last evaluated: 2018-01-12. Review status: criteria provided, single submitter. Criteria: ICSL Variant Classification Criteria 13 December 2019. Collection method: clinical testing. Allele origin: germline.
Comment: This variant was observed in the ICSL laboratory as part of a predisposition screen in an ostensibly healthy population. It had not been previously curated by ICSL or reported in the Human Gene Mutation Database (HGMD: prior to June 1st, 2018), and was therefore a candidate for classification through an automated scoring system. Utilizing variant allele frequency, disease prevalence and penetrance estimates, and inheritance mode, an automated score was calculated to assess if this variant is too frequent to cause the disease. Based on the score and internal cut-off values, a variant classified as benign is not then subjected to further curation. The score for this variant resulted in a classification of benign for this disease.

Women's Health and Genetics/Laboratory Corporation of America, LabCorp
Classification: Benign. Last evaluated: 2017-08-16. Review status: criteria provided, single submitter. Criteria: LabCorp Variant Classification Summary - May 2015. Collection method: clinical testing. Allele origin: germline.
Comment: Variant summary: c.1994+10G>A in MRE11A gene is an intronic change that involves a non-conserved nucleotide. 4/5 programs in Alamut predict that this variant does not affect a normal splicing, however no functional studies supporting this notion were published at the time of evaluation. The variant is present in the control population dataset of ExAC at frequency of 0.00317 (384/121126 chrs tested), predominantly in individuals of African descent (0.03533; 366/ 10360 chrs tested). The observed frequency exceeds the maximum expected allele frequency for a pathogenic variant of 0.0000625, suggesting that it is a common polymorphism. The variant of interest has not, to our knowledge, been reported in affected individuals in published reports but is cited as Likely Benign/Benign by reputable databases/clinical laboratory. Taking together, the variant was classified as Benign.

GeneDx
Classification: Benign. Last evaluated: 2015-03-03. Review status: criteria provided, single submitter. Criteria: GeneDx Variant Classification Process June 2021. Collection method: clinical testing. Allele origin: germline. Affected: yes.

Counsyl
Classification: Benign for Ataxia-telangiectasia-like disorder 1. Last evaluated: 2016-06-08. Review status: no assertion criteria provided. Collection method: clinical testing. Allele origin: unknown. Not counted in ClinVar's aggregate classification.

Genome Diagnostics Laboratory, Amsterdam University Medical Center
Classification: Benign. Review status: no assertion criteria provided. Collection method: clinical testing. Allele origin: germline. Affected: yes. Study: VKGL Data-share Consensus. Not counted in ClinVar's aggregate classification.

Genome Diagnostics Laboratory, University Medical Center Utrecht
Classification: Likely benign. Review status: no assertion criteria provided. Collection method: clinical testing. Allele origin: germline. Affected: yes. Study: VKGL Data-share Consensus. Not counted in ClinVar's aggregate classification.

NM_005591.4(MRE11):c.1994+10G>A

Gene: MRE11 (MRE11 double strand break repair nuclease; minus strand). Cytogenetic location: 11q21.
Variant type: single nucleotide variant.
Coding change: c.1994+10G>A on transcript NM_005591.4 (MANE Select); 10 bases into the intron after coding-DNA position 1994, G replaced by A.
Molecular consequence: intron variant.
Genome position (GRCh38, 1-based): chr11:94,435,822, C>T on the plus strand (G>A on the coding strand, the complement: MRE11 is on the minus strand). VCF-style: chr11-94435822-C-T. GRCh37 (hg19) VCF-style: chr11-94168988-C-T.
Other names: p.?; c.1991+10G>A (NM_001330347.2); c.1910+10G>A (NM_005590.4).
Identifiers: ClinVar variation 221127 (VCV000221127.33), dbSNP rs1805366, ClinGen allele CA349887.